The following is an entry in ClinVar:

NM_000487.6(ARSA):c.1210G>T (p.Gly404Cys)

Gene: ARSA (arylsulfatase A; minus strand). Cytogenetic location: 22q13.33.
Variant type: single nucleotide variant.
Coding change: c.1210G>T on transcript NM_000487.6 (MANE Select); coding-DNA position 1210, G replaced by T.
Protein change: p.Gly404Cys; replaces glycine 404 with cysteine.
Molecular consequence: missense variant.
Genome position (GRCh38, 1-based): chr22:50,625,579, C>A on the plus strand (G>T on the coding strand, the complement: ARSA is on the minus strand). VCF-style: chr22-50625579-C-A. GRCh37 (hg19) VCF-style: chr22-51064007-C-A.
Other names: NP_000478.3:p.(Gly404Cys); c.1210G>T, p.Gly404Cys (NM_001085425.3, NM_001085426.3, NM_001085427.3); c.952G>T, p.Gly318Cys (NM_001085428.3, NM_001362782.2); short protein forms G318C, G404C.
Identifiers: ClinVar variation 4850930 (VCV004850930.2).

ClinVar aggregate classification (germline): Uncertain significance (1 of 4 stars; one submission).

Conditions:
Metachromatic leukodystrophy (MLD). Also called: ARSA DEFICIENCY; CEREBROSIDE SULFATASE DEFICIENCY; METACHROMATIC LEUKOENCEPHALOPATHY; Cerebral sclerosis diffuse metachromatic form; Arylsulfatase A Deficiency; SULFATIDE LIPIDOSIS. Identifiers: Orphanet 512, MedGen C0023522, MONDO:0018868, OMIM 250100.

Submission:

Laboratory of Experimental Gene Therapy of Hereditary Metabolic Diseases, Research Centre for Medical Genetics
Classification: Uncertain significance for Metachromatic leukodystrophy. Last evaluated: 2026-09-17. Review status: criteria provided, single submitter. Criteria: ARSA MLD Assertion Criteria V2 2026 09 18. Collection method: clinical testing. Allele origin: germline. Inheritance: Autosomal recessive inheritance. Observed: 2 variant alleles, 2 compound heterozygotes.
Comment: Reassessed under ACMG/AMP 2015 with ClinGen SVI refinements and a Bayesian point framework (supporting=1, moderate=2, strong=4, very strong=8; 6-9 points=likely pathogenic; >=10 points=pathogenic). Final score: 3. Evidence applied: PM2_Supporting, PP3_Moderate. Observations from the present referral series were excluded from classification.